The following is an entry in ClinVar:

ClinVar aggregate classification (germline): Uncertain significance (0 of 4 stars; one submission).

Conditions:
Familial long QT syndrome (RWS). Also called: Romano-Ward syndrome; VENTRICULAR FIBRILLATION WITH PROLONGED QT INTERVAL; Congenital long QT syndrome. Identifiers: Orphanet 768, MedGen C1141890, MONDO:0019171.

Submission:

Genetics and Genomics Program, Sidra Medicine
Classification: Uncertain significance for Isolated congenital long QT syndrome. Review status: no assertion criteria provided. Collection method: research. Allele origin: unknown. Affected: yes.
Comment: The c.76C>T missense variant in CCND1 is not reported in population databases (PM2). It occurs in a critical domain of the gene (PM1). ACMG codes: PM1, PM2.

NM_053056.3(CCND1):c.76C>T (p.Arg26Trp)

Gene: CCND1 (cyclin D1; plus strand). Cytogenetic location: 11q13.3.
Variant type: single nucleotide variant.
Coding change: c.76C>T on transcript NM_053056.3 (MANE Select); coding-DNA position 76, C replaced by T.
Protein change: p.Arg26Trp; replaces arginine 26 with tryptophan.
Molecular consequence: missense variant.
Genome position (GRCh38, 1-based): chr11:69,641,389, C>T. VCF-style: chr11-69641389-C-T. GRCh37 (hg19) VCF-style: chr11-69456157-C-T.
Other names: short protein forms R26W.
Identifiers: ClinVar variation 3358898 (VCV003358898.1).